The following is an entry in ClinVar:

NM_000552.5(VWF):c.6256+2dup

Gene: VWF (von Willebrand factor; minus strand). Cytogenetic location: 12p13.31.
Variant type: Duplication.
Coding change: c.6256+2dup on transcript NM_000552.5 (MANE Select); the canonical splice donor site of the intron after coding-DNA position 6256, one base duplicated (T; older notation c.6256+2dupT).
Molecular consequence: splice donor variant.
Genome position (GRCh38, 1-based): chr12:5,994,413, A duplicated on the plus strand (T on the coding strand, the reverse complement: VWF is on the minus strand). VCF-style (leftmost placement, unchanged base first): chr12-5994412-T-TA. GRCh37 (hg19) VCF-style: chr12-6103578-T-TA.
Identifiers: ClinVar variation 619941 (VCV000619941.6), dbSNP rs1565822983, ClinGen allele CA913190306.
Genomic context (GRCh38, chr12:5,994,412, plus strand): 5'-AGAGCAAGTAAGGTTTATAAATGTATAGCAGGGGGAGAAGAGGAGTTGAGAAAATGTTCT[T>TA]ACCACACAGACCATACGTCTTTGAAGCAAAAGTCTTGGGGCTGAGCTGCAGTTGGAACTC-3'

ClinVar aggregate classification (germline): Uncertain significance. Review status: criteria provided, multiple submitters, no conflicts (2 of 4 stars). 3 submissions from 3 submitters: Uncertain significance (3). Last evaluated 2026-01-27.

Conditions:
von Willebrand disease type 1 (VWD1). Also called: VON WILLEBRAND DISEASE, TYPE I; VWD, TYPE 1. Identifiers: Orphanet 166078, Orphanet 903, MedGen C1264039, MONDO:0008668, OMIM 193400. Inheritance: autosomal recessive or autosomal dominant.
von Willebrand disease type 3 (VWD3). Also called: V WD3; VON WILLEBRAND DISEASE, TYPE III; Type 3 Von Willebrand's disease; Type 3 VWD; Von Willebrand disease, severe form. Identifiers: Orphanet 166096, MedGen C1264041, MONDO:0010191, OMIM 277480.

Submissions (3):

Dasa
Classification: Uncertain significance for von Willebrand disease type 3. Last evaluated: 2026-01-27. Review status: criteria provided, single submitter. Criteria: DASA Assertion Criteria. Collection method: clinical testing. Allele origin: germline.
Comment: NM_000552.5(VWF):c.6256+2dup affects a canonical splice site and is predicted to disrupt normal RNA splicing. This variant is rare in population databases. Computational prediction algorithms are consistent with a deleterious effect. The currently available literature and clinical evidence are not sufficient to establish a definitive association between this variant and the reported condition. Therefore, this variant is classified as a variant of uncertain significance.

Laboratorio de Genetica e Diagnostico Molecular, Hospital Israelita Albert Einstein
Classification: Uncertain significance for von Willebrand disease type 1. Last evaluated: 2022-08-26. Review status: criteria provided, single submitter. Criteria: ACMG Guidelines, 2015. Collection method: clinical testing. Allele origin: germline. Affected: yes.
Comment: ACMG classification criteria: PS4 supporting, PM2 moderated

Quest Diagnostics Nichols Institute San Juan Capistrano
Classification: Uncertain significance. Last evaluated: 2018-06-12. Review status: criteria provided, single submitter. Criteria: Quest Diagnostics criteria. Collection method: clinical testing. Allele origin: germline.